The following is an entry in ClinVar:

NM_006506.5(RASA2):c.359A>T (p.Lys120Ile)

Gene: RASA2 (RAS p21 protein activator 2; plus strand). Cytogenetic location: 3q23.
Variant type: single nucleotide variant.
Coding change: c.359A>T on transcript NM_006506.5 (MANE Select); coding-DNA position 359, A replaced by T.
Protein change: p.Lys120Ile; replaces lysine 120 with isoleucine.
Molecular consequence: missense variant.
Genome position (GRCh38, 1-based): chr3:141,529,711, A>T. VCF-style: chr3-141529711-A-T. GRCh37 (hg19) VCF-style: chr3-141248553-A-T.
Other names: c.359A>T, p.Lys120Ile (NM_001303245.3, NM_001303246.3); short protein forms K120I.
Identifiers: ClinVar variation 3666518 (VCV003666518.2).

ClinVar aggregate classification (germline): Uncertain significance (1 of 4 stars; one submission).

Submission:

Labcorp Genetics (formerly Invitae), Labcorp
Classification: Uncertain significance. Last evaluated: 2024-12-24. Review status: criteria provided, single submitter. Criteria: Invitae Variant Classification Sherloc (09022015). Collection method: clinical testing. Allele origin: germline.
Comment: This sequence change replaces lysine, which is basic and polar, with isoleucine, which is neutral and non-polar, at codon 120 of the RASA2 protein (p.Lys120Ile). This variant is not present in population databases (gnomAD no frequency). This variant has not been reported in the literature in individuals affected with RASA2-related conditions. Invitae Evidence Modeling of protein sequence and biophysical properties (such as structural, functional, and spatial information, amino acid conservation, physicochemical variation, residue mobility, and thermodynamic stability) indicates that this missense variant is expected to disrupt RASA2 protein function with a positive predictive value of 80%. In summary, the available evidence is currently insufficient to determine the role of this variant in disease. Therefore, it has been classified as a Variant of Uncertain Significance.